The following is an entry in ClinVar:

ClinVar aggregate classification (germline): Conflicting classifications of pathogenicity. Review status: criteria provided, conflicting classifications (1 of 4 stars). 2 submissions from 2 submitters: Likely pathogenic (1); Uncertain significance (1). Last evaluated 2024-02-25.

Submissions (2):

Labcorp Genetics (formerly Invitae), Labcorp
Classification: Likely pathogenic. Last evaluated: 2024-02-25. Review status: criteria provided, single submitter. Criteria: Invitae Variant Classification Sherloc (09022015). Collection method: clinical testing. Allele origin: germline.
Comment: This sequence change falls in intron 42 of the ABCA4 gene. It does not directly change the encoded amino acid sequence of the ABCA4 protein. It affects a nucleotide within the consensus splice site. This variant is not present in population databases (gnomAD no frequency). This variant has been observed in individual(s) with Stargardt disease (PMID: 20128570). It has also been observed to segregate with disease in related individuals. This variant is also known as IVS42+4delG. ClinVar contains an entry for this variant (Variation ID: 841914). Variants that disrupt the consensus splice site are a relatively common cause of aberrant splicing (PMID: 17576681, 9536098). Studies have shown that this variant is associated with inconclusive levels of altered splicing (PMID: 29162642). In summary, the currently available evidence indicates that the variant is pathogenic, but additional data are needed to prove that conclusively. Therefore, this variant has been classified as Likely Pathogenic.

Blueprint Genetics
Classification: Uncertain significance. Last evaluated: 2020-04-20. Review status: criteria provided, single submitter. Criteria: ACMG Guidelines, 2015. Collection method: clinical testing. Allele origin: germline.

Literature cited by the submitters: PubMed 20128570 (cited by Labcorp Genetics (formerly Invitae), Labcorp); PubMed 17576681 (cited by Labcorp Genetics (formerly Invitae), Labcorp); PubMed 9536098 (cited by Labcorp Genetics (formerly Invitae), Labcorp); PubMed 29162642 (cited by Labcorp Genetics (formerly Invitae), Labcorp).

NM_000350.3(ABCA4):c.5898+5del

Gene: ABCA4 (ATP binding cassette subfamily A member 4; minus strand). Cytogenetic location: 1p22.1.
Variant type: Deletion.
Coding change: c.5898+5del on transcript NM_000350.3 (MANE Select); 5 bases into the intron after coding-DNA position 5898, one base deleted (G; older notation c.5898+5delG).
Molecular consequence: intron variant.
Genome position (GRCh38, 1-based): chr1:94,008,230, C deleted on the plus strand (G on the coding strand, the reverse complement: ABCA4 is on the minus strand); the first of 3 consecutive C bases (chr1:94,008,230-94,008,232); deleting any one gives the same sequence. VCF-style (leftmost placement, unchanged base first): chr1-94008229-AC-A. GRCh37 (hg19) VCF-style: chr1-94473785-AC-A.
Identifiers: ClinVar variation 841914 (VCV000841914.8), dbSNP rs922818626, ClinGen allele CA16609666.